The following is an entry in ClinVar:

NM_014915.3(ANKRD26):c.572A>G (p.Lys191Arg)

Gene: ANKRD26 (ankyrin repeat domain 26; minus strand). Cytogenetic location: 10p12.1.
Variant type: single nucleotide variant.
Coding change: c.572A>G on transcript NM_014915.3 (MANE Select); coding-DNA position 572, A replaced by G.
Protein change: p.Lys191Arg; replaces lysine 191 with arginine.
Molecular consequence: missense variant.
Genome position (GRCh38, 1-based): chr10:27,092,472, T>C on the plus strand (A>G on the coding strand, the complement: ANKRD26 is on the minus strand). VCF-style: chr10-27092472-T-C. GRCh37 (hg19) VCF-style: chr10-27381401-T-C.
Other names: c.572A>G, p.Lys191Arg (NM_001256053.2); short protein forms K191R.
Identifiers: ClinVar variation 4859524 (VCV004859524.1).

ClinVar aggregate classification (germline): Uncertain significance (1 of 4 stars; one submission).

Conditions:
Inborn genetic diseases. Identifiers: MedGen C0950123, MeSH D030342.

Submission:

Ambry Genetics
Classification: Uncertain significance for Inborn genetic diseases. Last evaluated: 2026-04-25. Review status: criteria provided, single submitter. Criteria: Ambry Variant Classification Scheme 2023. Collection method: clinical testing. Allele origin: germline.
Comment: The p.K191R variant (also known as c.572A>G), located in coding exon 4 of the ANKRD26 gene, results from an A to G substitution at nucleotide position 572. The lysine at codon 191 is replaced by arginine, an amino acid with highly similar properties. This amino acid position is conserved. In addition, this alteration is predicted to be tolerated by in silico analysis. Based on the available evidence, the clinical significance of this variant remains unclear.